The following is an entry in ClinVar:

ClinVar aggregate classification (germline): Uncertain significance (1 of 4 stars; one submission).

Conditions:
Bloom syndrome (BLM). Also called: Bloom-Torre-Machacek syndrome. Identifiers: Orphanet 125, MedGen C0005859, MONDO:0008876, OMIM 210900.

Submission:

Labcorp Genetics (formerly Invitae), Labcorp
Classification: Uncertain significance for Bloom syndrome. Last evaluated: 2025-12-21. Review status: criteria provided, single submitter. Criteria: Invitae Variant Classification Sherloc (09022015). Collection method: clinical testing. Allele origin: germline.
Comment: This variant, c.3012_3014dup, results in the insertion of 1 amino acid(s) of the BLM protein (p.Ile1005dup), but otherwise preserves the integrity of the reading frame. This variant is not present in population databases (gnomAD no frequency). This variant has not been reported in the literature in individuals affected with BLM-related conditions. ClinVar contains an entry for this variant (Variation ID: 2019533). In summary, the available evidence is currently insufficient to determine the role of this variant in disease. Therefore, it has been classified as a Variant of Uncertain Significance.

NM_000057.4(BLM):c.3012_3014dup (p.Ile1005_Met1006insIle)

Gene: BLM (BLM RecQ like helicase; plus strand). Cytogenetic location: 15q26.1.
Variant type: Duplication.
Coding change: c.3012_3014dup on transcript NM_000057.4 (MANE Select); coding-DNA positions 3012 to 3014, 3 bases duplicated (TAT; older notation c.3012_3014dupTAT).
Protein change: p.Ile1005_Met1006insIle.
Molecular consequence: inframe insertion.
Genome position (GRCh38, 1-based): chr15:90,790,837-90,790,839, TAT duplicated; duplicating any 3 consecutive bases within chr15:90,790,836-90,790,839 gives the same sequence; the c. name uses the placement nearest the transcript's 3' end. VCF-style (leftmost placement, unchanged base first): chr15-90790835-C-CTTA. GRCh37 (hg19) VCF-style: chr15-91334065-C-CTTA.
Other names: c.3012_3014dup, p.Ile1005_Met1006insIle (NM_001287246.2, NM_001287247.2); c.1887_1889dup, p.Ile630_Met631insIle (NM_001287248.2).
Identifiers: ClinVar variation 2019533 (VCV002019533.4), dbSNP rs2505517152, ClinGen allele CA2575836085.